The following is an entry in ClinVar:

ClinVar aggregate classification (germline): Uncertain significance (1 of 4 stars; one submission).

Allele frequency attached by ClinVar (database versions not stated): gnomAD exomes below 0.00001.
gnomAD v4.1: 1 of 1,550,782 alleles (0.000064%); highest among the groups gnomAD compares: East Asian, 0.0023%; no homozygotes.

Submission:

Labcorp Genetics (formerly Invitae), Labcorp
Classification: Uncertain significance. Last evaluated: 2022-01-02. Review status: criteria provided, single submitter. Criteria: Invitae Variant Classification Sherloc (09022015). Collection method: clinical testing. Allele origin: germline.
Comment: This sequence change creates a premature translational stop signal (p.Gln669*) in the TNK2 gene. It is expected to result in an absent or disrupted protein product. However, the current clinical and genetic evidence is not sufficient to establish whether loss-of-function variants in TNK2 cause disease. This variant is not present in population databases (gnomAD no frequency). This variant has not been reported in the literature in individuals affected with TNK2-related conditions. In summary, the available evidence is currently insufficient to determine the role of this variant in disease. Therefore, it has been classified as a Variant of Uncertain Significance.

NM_001382273.1(TNK2):c.1816C>T (p.Gln606Ter)

Gene: TNK2 (tyrosine kinase non receptor 2; minus strand). Cytogenetic location: 3q29.
Variant type: single nucleotide variant.
Coding change: c.1816C>T on transcript NM_001382273.1 (MANE Select); coding-DNA position 1816, C replaced by T.
Protein change: p.Gln606Ter; replaces glutamine 606 with a stop codon.
Molecular consequence: nonsense. On other transcripts: non-coding transcript variant (15).
Genome position (GRCh38, 1-based): chr3:195,868,482, G>A on the plus strand (C>T on the coding strand, the complement: TNK2 is on the minus strand). VCF-style: chr3-195868482-G-A. GRCh37 (hg19) VCF-style: chr3-195595353-G-A.
Other names: c.1888C>T, p.Gln630Ter (NM_001010938.2, NM_001382272.1); c.1867C>T, p.Gln623Ter (NM_001308046.2, NM_001382271.1); c.1816C>T, p.Gln606Ter (NM_001382274.1, NM_001387716.1, NM_001387717.1 and 1 more transcripts); c.1912C>T, p.Gln638Ter (NM_001382275.1, NM_001387707.1); c.1771C>T, p.Gln591Ter (NM_001386164.1, NM_001387709.1, NM_001387710.1 and 8 more transcripts); c.1843C>T, p.Gln615Ter (NM_001387708.1, NM_001387715.1); short protein forms Q630*, Q591*, Q606*, Q623*, Q638*, Q615*.
Identifiers: ClinVar variation 2069689 (VCV002069689.4), dbSNP rs2474251724, ClinGen allele CA355569991.